The following is an entry in ClinVar:

ClinVar aggregate classification (germline): Uncertain significance (1 of 4 stars; one submission).

Conditions:
BBS9-related disorder. Also called: BBS9-related condition.

Submission:

PreventionGenetics, part of Exact Sciences
Classification: Uncertain significance for BBS9-related condition. Last evaluated: 2025-02-13. Review status: criteria provided, single submitter. Criteria: ACMG Guidelines, 2015. Collection method: clinical testing. Allele origin: germline.
Comment: The BBS9 c.1198G>C variant is predicted to result in the amino acid substitution p.Gly400Arg. To our knowledge, this variant has not been reported in the literature or in a large population database (gnomAD), indicating this variant is rare. At this time, the clinical significance of this variant is uncertain due to the absence of conclusive functional and genetic evidence.

NM_198428.3(BBS9):c.1198G>C (p.Gly400Arg)

Gene: BBS9 (Bardet-Biedl syndrome 9; plus strand). Cytogenetic location: 7p14.3.
Variant type: single nucleotide variant.
Coding change: c.1198G>C on transcript NM_198428.3 (MANE Select); coding-DNA position 1198, G replaced by C.
Protein change: p.Gly400Arg; replaces glycine 400 with arginine.
Molecular consequence: missense variant. On other transcripts: non-coding transcript variant (3).
Genome position (GRCh38, 1-based): chr7:33,336,622, G>C. VCF-style: chr7-33336622-G-C. GRCh37 (hg19) VCF-style: chr7-33376234-G-C.
Other names: c.1198G>C, p.Gly400Arg (NM_001033604.2, NM_001033605.2, NM_001348036.1 and 5 more transcripts); c.832G>C, p.Gly278Arg (NM_001348037.3, NM_001348044.3, NM_001348045.3 and 1 more transcripts); c.925G>C, p.Gly309Arg (NM_001348038.3, NM_001348039.3); c.1063G>C, p.Gly355Arg (NM_001348042.3); short protein forms G355R, G309R, G278R, G400R.
Identifiers: ClinVar variation 5000489 (VCV005000489.1).
Genomic context (GRCh38, chr7:33,336,622, plus strand): 5'-GAACTTGATGTAGAAATGAAAGAACTTCAGAAAATCATCAAAGATGTTAACAAATCACAA[G>C]GTATCTCATTTGCAGCTTTTTATTATTTTAGTATTCATTATGAAATTCATATTATCTTGT-3'
Protein context (NP_940820.1, residues 390-410): KIIKDVNKSQ[Gly400Arg]VWPMTEREDD